The following is an entry in ClinVar:

ClinVar aggregate classification (germline): Conflicting classifications of pathogenicity. Review status: criteria provided, conflicting classifications (1 of 4 stars). 3 submissions from 3 submitters: Uncertain significance (2); Likely benign (1). Last evaluated 2025-01-22.

gnomAD v4.1: 237 of 1,613,890 alleles (0.015%); highest among the groups gnomAD compares: Non-Finnish European, 0.017%; no homozygotes.

Submissions (3):

Revvity Omics, Revvity
Classification: Uncertain significance. Last evaluated: 2025-01-22. Review status: criteria provided, single submitter. Criteria: ACMG Guidelines, 2015. Collection method: clinical testing. Allele origin: germline.

Blueprint Genetics
Classification: Likely benign. Last evaluated: 2024-11-27. Review status: criteria provided, single submitter. Criteria: ACMG Guidelines, 2015. Collection method: clinical testing. Allele origin: germline.

Mayo Clinic Laboratories, Mayo Clinic
Classification: Uncertain significance. Last evaluated: 2023-08-09. Review status: criteria provided, single submitter. Criteria: ACMG Guidelines, 2015. Collection method: clinical testing. Allele origin: germline. Observed: 1 variant allele.
Comment: BP4

NM_000178.4(GSS):c.395G>A (p.Arg132His)

Gene: GSS (glutathione synthetase; minus strand). Cytogenetic location: 20q11.22.
Variant type: single nucleotide variant.
Coding change: c.395G>A on transcript NM_000178.4 (MANE Select); coding-DNA position 395, G replaced by A.
Protein change: p.Arg132His; replaces arginine 132 with histidine.
Molecular consequence: missense variant.
Genome position (GRCh38, 1-based): chr20:34,942,584, C>T on the plus strand (G>A on the coding strand, the complement: GSS is on the minus strand). VCF-style: chr20-34942584-C-T. GRCh37 (hg19) VCF-style: chr20-33530387-C-T.
Other names: p.Arg132His; c.395G>A, p.Arg132His (NM_001322494.1, NM_001322495.1); short protein forms R132H.
Identifiers: ClinVar variation 3380662 (VCV003380662.3).